The following is an entry in ClinVar:

ClinVar aggregate classification (germline): Pathogenic (1 of 4 stars; one submission).

Submission:

Labcorp Genetics (formerly Invitae), Labcorp
Classification: Pathogenic. Last evaluated: 2025-11-18. Review status: criteria provided, single submitter. Criteria: Invitae Variant Classification Sherloc (09022015). Collection method: clinical testing. Allele origin: germline.
Comment: This sequence change creates a premature translational stop signal (p.Asn105Thrfs*11) in the DYM gene. It is expected to result in an absent or disrupted protein product. Loss-of-function variants in DYM are known to be pathogenic (PMID: 12491225, 12554689, 18996921). This variant is not present in population databases (gnomAD no frequency). This variant has not been reported in the literature in individuals affected with DYM-related conditions. For these reasons, this variant has been classified as Pathogenic.

Literature cited by the submitters: PubMed 12491225; PubMed 12554689; PubMed 18996921.

NM_001353214.3(DYM):c.312_313dup (p.Asn105fs)

Gene: DYM (dymeclin; minus strand). Cytogenetic location: 18q21.1.
Variant type: Microsatellite.
Coding change: c.312_313dup on transcript NM_001353214.3 (MANE Select); coding-DNA positions 312 to 313, 2 bases duplicated (CA; older notation c.312_313dupCA).
Protein change: p.Asn105fs; shifts the reading frame from asparagine 105.
Molecular consequence: frameshift variant. On other transcripts: intron variant (5).
Genome position (GRCh38, 1-based): chr18:49,378,675-49,378,676, TG duplicated on the plus strand (CA on the coding strand, the reverse complement: DYM is on the minus strand); duplicating any 2 consecutive bases within chr18:49,378,675-49,378,681 gives the same sequence; the c. name uses the placement nearest the transcript's 3' end. VCF-style (leftmost placement, unchanged base first): chr18-49378674-T-TTG. GRCh37 (hg19) VCF-style: chr18-46905044-T-TTG.
Other names: c.312_313dup, p.Asn105fs (NM_001353210.3, NM_001353213.3, NM_001353215.3 and 12 more transcripts); c.309_310dup, p.Asn104fs (NM_001353211.3, NM_001353212.3, NM_001374429.1 and 1 more transcripts); c.193+12913CA[4] (NM_001374443.1, NM_001374444.1, NM_001374442.1 and 2 more transcripts); short protein forms N104fs, N105fs.
Identifiers: ClinVar variation 4691707 (VCV004691707.1).